The following is an entry in ClinVar:

ClinVar aggregate classification (germline): Uncertain significance (1 of 4 stars; one submission).

Conditions:
Hereditary cancer-predisposing syndrome. Also called: Tumor predisposition; Hereditary Cancer Syndrome; Hereditary neoplastic syndrome; Neoplastic Syndromes, Hereditary. Identifiers: Orphanet 140162, MedGen C0027672, MeSH D009386, MONDO:0015356.

Submission:

Ambry Genetics
Classification: Uncertain significance for Hereditary cancer-predisposing syndrome. Last evaluated: 2023-07-29. Review status: criteria provided, single submitter. Criteria: Ambry Variant Classification Scheme 2023. Collection method: clinical testing. Allele origin: germline.
Comment: The p.E1965V variant (also known as c.5894A>T), located in coding exon 43 of the POLE gene, results from an A to T substitution at nucleotide position 5894. The glutamic acid at codon 1965 is replaced by valine, an amino acid with dissimilar properties. This amino acid position is conserved. In addition, this alteration is predicted to be tolerated by in silico analysis. Since supporting evidence is limited at this time, the clinical significance of this alteration remains unclear.

NM_006231.4(POLE):c.5894A>T (p.Glu1965Val)

Gene: POLE (DNA polymerase epsilon, catalytic subunit; minus strand). Cytogenetic location: 12q24.33.
Variant type: single nucleotide variant.
Coding change: c.5894A>T on transcript NM_006231.4 (MANE Select); coding-DNA position 5894, A replaced by T.
Protein change: p.Glu1965Val; replaces glutamic acid 1965 with valine.
Molecular consequence: missense variant.
Genome position (GRCh38, 1-based): chr12:132,634,296, T>A on the plus strand (A>T on the coding strand, the complement: POLE is on the minus strand). VCF-style: chr12-132634296-T-A. GRCh37 (hg19) VCF-style: chr12-133210882-T-A.
Other names: short protein forms E1965V.
Identifiers: ClinVar variation 2625241 (VCV002625241.2), dbSNP rs2138474618, ClinGen allele CA387371648.